The following is an entry in ClinVar:

ClinVar aggregate classification (germline): Pathogenic (1 of 4 stars; one submission).

Submission:

Labcorp Genetics (formerly Invitae), Labcorp
Classification: Pathogenic. Last evaluated: 2024-07-12. Review status: criteria provided, single submitter. Criteria: Invitae Variant Classification Sherloc (09022015). Collection method: clinical testing. Allele origin: germline.
Comment: This sequence change creates a premature translational stop signal (p.Lys2065Asnfs*21) in the USH2A gene. It is expected to result in an absent or disrupted protein product. Loss-of-function variants in USH2A are known to be pathogenic (PMID: 10729113, 10909849, 20507924, 25649381). This variant is not present in population databases (gnomAD no frequency). This variant has not been reported in the literature in individuals affected with USH2A-related conditions. For these reasons, this variant has been classified as Pathogenic.

Literature cited by the submitters: PubMed 10729113; PubMed 10909849; PubMed 20507924; PubMed 25649381.

NM_206933.4(USH2A):c.6195del (p.Lys2065fs)

Gene: USH2A (usherin; minus strand). Cytogenetic location: 1q41.
Variant type: Deletion.
Coding change: c.6195del on transcript NM_206933.4 (MANE Select); coding-DNA position 6195, one base deleted (A; older notation c.6195delA).
Protein change: p.Lys2065fs; shifts the reading frame from lysine 2065.
Molecular consequence: frameshift variant.
Genome position (GRCh38, 1-based): chr1:216,046,561, T deleted on the plus strand (A on the coding strand, the reverse complement: USH2A is on the minus strand); the first of 3 consecutive T bases (chr1:216,046,561-216,046,563); deleting any one gives the same sequence. VCF-style (leftmost placement, unchanged base first): chr1-216046560-AT-A. GRCh37 (hg19) VCF-style: chr1-216219902-AT-A.
Other names: short protein forms K2065fs.
Identifiers: ClinVar variation 2810536 (VCV002810536.3), dbSNP rs2527720547, ClinGen allele CA2739275609.